The following is an entry in ClinVar:

NM_001743.6(CALM2):c.308C>T (p.Ala103Val)

Gene: CALM2 (calmodulin 2; minus strand). Cytogenetic location: 2p21.
Variant type: single nucleotide variant.
Coding change: c.308C>T on transcript NM_001743.6 (MANE Select); coding-DNA position 308, C replaced by T.
Protein change: p.Ala103Val; replaces alanine 103 with valine.
Molecular consequence: missense variant.
Genome position (GRCh38, 1-based): chr2:47,161,836, G>A on the plus strand (C>T on the coding strand, the complement: CALM2 is on the minus strand). VCF-style: chr2-47161836-G-A. GRCh37 (hg19) VCF-style: chr2-47388975-G-A.
Other names: c.452C>T, p.Ala151Val (NM_001305624.1); c.200C>T, p.Ala67Val (NM_001305625.2, NM_001305626.1); short protein forms A103V, A67V, A151V.
Identifiers: ClinVar variation 2871265 (VCV002871265.3), dbSNP rs2465707262, ClinGen allele CA346719256.

ClinVar aggregate classification (germline): Uncertain significance (1 of 4 stars; one submission).

Conditions:
Long QT syndrome 1 (LQT1). Identifiers: Orphanet 101016, Orphanet 768, MedGen C4551647, MONDO:0100316, OMIM 192500, MONDO:0008646.

Submission:

Labcorp Genetics (formerly Invitae), Labcorp
Classification: Uncertain significance for Long QT syndrome 1. Last evaluated: 2023-08-14. Review status: criteria provided, single submitter. Criteria: Invitae Variant Classification Sherloc (09022015). Collection method: clinical testing. Allele origin: germline.
Comment: This sequence change replaces alanine, which is neutral and non-polar, with valine, which is neutral and non-polar, at codon 103 of the CALM2 protein (p.Ala103Val). This variant is not present in population databases (gnomAD no frequency). This missense change has been observed in individual(s) with long QT syndrome (Invitae). An algorithm developed to predict the effect of missense changes on protein structure and function (PolyPhen-2) suggests that this variant is likely to be tolerated. In summary, the available evidence is currently insufficient to determine the role of this variant in disease. Therefore, it has been classified as a Variant of Uncertain Significance.